The following is an entry in ClinVar:

ClinVar aggregate classification (germline): Uncertain significance. Review status: criteria provided, multiple submitters, no conflicts (2 of 4 stars). 3 submissions from 3 submitters: Uncertain significance (3). Last evaluated 2025-10-05.

Conditions:
Multiple endocrine neoplasia, type 2 (MEN2). Identifiers: Orphanet 653, MedGen C4048306, MONDO:0019003. Disease mechanism: gain of function.
Hereditary cancer-predisposing syndrome. Also called: Hereditary neoplastic syndrome; Neoplastic Syndromes, Hereditary; Tumor predisposition; Hereditary Cancer Syndrome. Identifiers: Orphanet 140162, MedGen C0027672, MeSH D009386, MONDO:0015356.
Multiple endocrine neoplasia type 2B. Also called: MUCOSAL NEUROMA SYNDROME; Multiple endocrine neoplasia, type 3; MULTIPLE ENDOCRINE NEOPLASIA, TYPE IIB; Multiple Endocrine Neoplasia Type 2B (MEN2B); MEN IIB; NEUROMATA, MUCOSAL, WITH ENDOCRINE TUMORS. Identifiers: Orphanet 247709, Orphanet 653, MedGen C0025269, MeSH D018814, MONDO:0008082, OMIM 162300.
Hirschsprung disease, susceptibility to, 1 (HSCR1). Also called: RET-Related Hirschsprung Disease. Identifiers: Orphanet 388, MedGen C3888239, MONDO:0007723, OMIM 142623.
Pheochromocytoma. Also called: MAX-Related Hereditary Paraganglioma-Pheochromocytoma Syndrome. Identifiers: Orphanet 29072, MedGen C0031511, MONDO:0008233, OMIM 171300, HP:0002666.
Multiple endocrine neoplasia type 2A. Also called: MULTIPLE ENDOCRINE NEOPLASIA, TYPE IIA; PTC SYNDROME; SIPPLE SYNDROME; MEN 2A; MEN-2A syndrome; Pheochromocytoma and amyloid producing medullary thyroid carcinoma. Identifiers: Orphanet 247698, Orphanet 653, MedGen C0025268, MeSH D018813, MONDO:0008234, OMIM 171400.
Familial medullary thyroid carcinoma (MTC). Also called: Familial Medullary Thyroid Carcinoma (FMTC); Thyroid cancer, familial medullary; MTC, familial. Identifiers: Orphanet 653, Orphanet 99361, MedGen C1833921, MONDO:0007958, OMIM 155240.

gnomAD v4.1: 1 of 1,614,178 alleles (0.000062%); no homozygotes.

Submissions (3):

Labcorp Genetics (formerly Invitae), Labcorp
Classification: Uncertain significance for Multiple endocrine neoplasia, type 2. Last evaluated: 2025-10-05. Review status: criteria provided, single submitter. Criteria: Invitae Variant Classification Sherloc (09022015). Collection method: clinical testing. Allele origin: germline.
Comment: This sequence change replaces proline, which is neutral and non-polar, with leucine, which is neutral and non-polar, at codon 996 of the RET protein (p.Pro996Leu). This variant is not present in population databases (gnomAD no frequency). This variant has not been reported in the literature in individuals affected with RET-related conditions. ClinVar contains an entry for this variant (Variation ID: 822438). An algorithm developed to predict the effect of missense changes on protein structure and function (PolyPhen-2) suggests that this variant is likely to be disruptive. In summary, the available evidence is currently insufficient to determine the role of this variant in disease. Therefore, it has been classified as a Variant of Uncertain Significance.

Fulgent Genetics
Classification: Uncertain significance for Hirschsprung disease, susceptibility to, 1; Familial medullary thyroid carcinoma; Multiple endocrine neoplasia type 2B; Pheochromocytoma; Multiple endocrine neoplasia type 2A. Last evaluated: 2024-03-13. Review status: criteria provided, single submitter. Criteria: ACMG Guidelines, 2015. Collection method: clinical testing. Allele origin: germline.

Ambry Genetics
Classification: Uncertain significance for Hereditary cancer-predisposing syndrome. Last evaluated: 2023-09-15. Review status: criteria provided, single submitter. Criteria: Ambry Variant Classification Scheme 2023. Collection method: clinical testing. Allele origin: germline.
Comment: The p.P996L variant (also known as c.2987C>T), located in coding exon 18 of the RET gene, results from a C to T substitution at nucleotide position 2987. The proline at codon 996 is replaced by leucine, an amino acid with similar properties. This amino acid position is highly conserved in available vertebrate species. In addition, this alteration is predicted to be deleterious by in silico analysis. Since supporting evidence is limited at this time, the clinical significance of this alteration remains unclear.

NM_020975.6(RET):c.2987C>T (p.Pro996Leu)

Gene: RET (ret proto-oncogene; plus strand). Cytogenetic location: 10q11.21.
Variant type: single nucleotide variant.
Coding change: c.2987C>T on transcript NM_020975.6 (MANE Select); coding-DNA position 2987, C replaced by T.
Protein change: p.Pro996Leu; replaces proline 996 with leucine.
Molecular consequence: missense variant.
Genome position (GRCh38, 1-based): chr10:43,124,930, C>T. VCF-style: chr10-43124930-C-T. GRCh37 (hg19) VCF-style: chr10-43620378-C-T.
Other names: c.2549C>T, p.Pro850Leu (NM_001406773.1, NM_001406771.1); c.2462C>T, p.Pro821Leu (NM_001406774.1); c.2261C>T, p.Pro754Leu (NM_001406775.1, NM_001406776.1, NM_001406777.1 and 1 more transcripts); c.2090C>T, p.Pro697Leu (NM_001406779.1, NM_001406780.1, NM_001406781.1 and 1 more transcripts); c.1538C>T, p.Pro513Leu (NM_001406792.1, NM_001406793.1, NM_001406794.1); c.2987C>T, p.Pro996Leu (NM_020629.2, NM_020630.7, NM_000323.2 and 4 more transcripts); c.2225C>T, p.Pro742Leu (NM_001355216.2); c.2858C>T, p.Pro953Leu (NM_001406761.1, NM_001406762.1, NM_001406764.1); and 10 more; short protein forms P996L, P742L, P513L, P657L, P666L, P821L, P951L, P561L.
Identifiers: ClinVar variation 822438 (VCV000822438.13), dbSNP rs1588880114, ClinGen allele CA376558135.